The following is an entry in ClinVar:

NM_004655.4(AXIN2):c.485A>G (p.Lys162Arg)

Gene: AXIN2 (axin 2; minus strand). Cytogenetic location: 17q24.1.
Variant type: single nucleotide variant.
Coding change: c.485A>G on transcript NM_004655.4 (MANE Select); coding-DNA position 485, A replaced by G.
Protein change: p.Lys162Arg; replaces lysine 162 with arginine.
Molecular consequence: missense variant.
Genome position (GRCh38, 1-based): chr17:65,558,136, T>C on the plus strand (A>G on the coding strand, the complement: AXIN2 is on the minus strand). VCF-style: chr17-65558136-T-C. GRCh37 (hg19) VCF-style: chr17-63554254-T-C.
Other names: c.485A>G, p.Lys162Arg (NM_001363813.1); short protein forms K162R.
Identifiers: ClinVar variation 836963 (VCV000836963.11), dbSNP rs370606806, ClinGen allele CA293107188.
Genomic context (GRCh38, chr17:65,558,136, plus strand): 5'-ATCACCGACTGGATCTCGGTCTGCGCCTGGTCAAACATGATGGAATCAATCTGCTGCTTC[T>C]TGATGCCATCTCTTATGTAGGTCTTGGTGGCAGGCTTCAGCTGCTTGGAGACAATGCTGT-3'
Protein context (NP_004646.3, residues 152-172): ATKTYIRDGI[Lys162Arg]KQQIDSIMFD

ClinVar aggregate classification (germline): Uncertain significance. Review status: criteria provided, multiple submitters, no conflicts (2 of 4 stars). 2 submissions from 2 submitters: Uncertain significance (2). Last evaluated 2023-10-15.

Conditions:
Hereditary cancer-predisposing syndrome. Also called: Hereditary neoplastic syndrome; Neoplastic Syndromes, Hereditary; Tumor predisposition; Hereditary Cancer Syndrome. Identifiers: Orphanet 140162, MedGen C0027672, MeSH D009386, MONDO:0015356.
Oligodontia-cancer predisposition syndrome. Also called: TOOTH AGENESIS-COLORECTAL CANCER SYNDROME. Identifiers: Orphanet 300576, MedGen C1837750, MONDO:0012075, OMIM 608615. Disease mechanism: loss of function.

Allele frequency attached by ClinVar (database versions not stated): TOPMed below 0.00001; ESP Exome Variant Server 0.00008.

Submissions (2):

Labcorp Genetics (formerly Invitae), Labcorp
Classification: Uncertain significance for Oligodontia-cancer predisposition syndrome. Last evaluated: 2023-10-15. Review status: criteria provided, single submitter. Criteria: Invitae Variant Classification Sherloc (09022015). Collection method: clinical testing. Allele origin: germline.
Comment: This sequence change replaces lysine, which is basic and polar, with arginine, which is basic and polar, at codon 162 of the AXIN2 protein (p.Lys162Arg). This variant is not present in population databases (gnomAD no frequency). This variant has not been reported in the literature in individuals affected with AXIN2-related conditions. ClinVar contains an entry for this variant (Variation ID: 836963). Advanced modeling of protein sequence and biophysical properties (such as structural, functional, and spatial information, amino acid conservation, physicochemical variation, residue mobility, and thermodynamic stability) performed at Invitae indicates that this missense variant is not expected to disrupt AXIN2 protein function. In summary, the available evidence is currently insufficient to determine the role of this variant in disease. Therefore, it has been classified as a Variant of Uncertain Significance.

Ambry Genetics
Classification: Uncertain significance for Hereditary cancer-predisposing syndrome. Last evaluated: 2023-09-28. Review status: criteria provided, single submitter. Criteria: Ambry Variant Classification Scheme 2023. Collection method: clinical testing. Allele origin: germline.
Comment: The p.K162R variant (also known as c.485A>G), located in coding exon 1 of the AXIN2 gene, results from an A to G substitution at nucleotide position 485. The lysine at codon 162 is replaced by arginine, an amino acid with highly similar properties. This amino acid position is conserved. In addition, this alteration is predicted to be tolerated by in silico analysis. Since supporting evidence is limited at this time, the clinical significance of this alteration remains unclear.